The following is an entry in ClinVar:

NM_000051.4(ATM):c.6898T>G (p.Trp2300Gly)

Genes: ATM (ATM serine/threonine kinase; plus strand), C11orf65 (chromosome 11 open reading frame 65; minus strand). Cytogenetic location: 11q22.3.
Variant type: single nucleotide variant.
Coding change: c.6898T>G on transcript NM_000051.4 (MANE Select); coding-DNA position 6898, T replaced by G.
Protein change: p.Trp2300Gly; replaces tryptophan 2300 with glycine.
Molecular consequence: missense variant. On other transcripts: intron variant (2).
Genome position (GRCh38, 1-based): chr11:108,326,148, T>G. VCF-style: chr11-108326148-T-G. GRCh37 (hg19) VCF-style: chr11-108196875-T-G.
Other names: c.6898T>G, p.Trp2300Gly (NM_001351834.2); c.641-17077A>C (NM_001330368.2); c.*38+9072A>C (NM_001351110.2); short protein forms W2300G.
Identifiers: ClinVar variation 572261 (VCV000572261.20), dbSNP rs1565520641, ClinGen allele CA382556936.

ClinVar aggregate classification (germline): Conflicting classifications of pathogenicity. Review status: criteria provided, conflicting classifications (1 of 4 stars). 6 submissions from 6 submitters: Likely pathogenic (1); Uncertain significance (4). 1 of the submissions does not count toward it. Last evaluated 2025-12-23.

Conditions:
Hereditary cancer-predisposing syndrome. Also called: Hereditary Cancer Syndrome; Neoplastic Syndromes, Hereditary; Tumor predisposition; Hereditary neoplastic syndrome. Identifiers: Orphanet 140162, MedGen C0027672, MeSH D009386, MONDO:0015356.
Ataxia-telangiectasia syndrome (AT). Also called: Cerebello-oculocutaneous telangiectasia; Immunodeficiency with ataxia telangiectasia; Ataxia-telangiectasia, complementation group E; Ataxia-telangiectasia, complementation group D; AT, COMPLEMENTATION GROUP C; ATAXIA-TELANGIECTASIA, COMPLEMENTATION GROUP A. Identifiers: Orphanet 100, MedGen C0004135, MONDO:0008840, OMIM 208900.
Malignant tumor of breast. Also called: Malignant breast neoplasm; Cancer breast. Identifiers: MedGen C0006142, MONDO:0007254. Disease mechanism: loss of function.

Submissions (6):

Labcorp Genetics (formerly Invitae), Labcorp
Classification: Uncertain significance for Ataxia-telangiectasia syndrome. Last evaluated: 2025-12-23. Review status: criteria provided, single submitter. Criteria: Invitae Variant Classification Sherloc (09022015). Collection method: clinical testing. Allele origin: germline.
Comment: This sequence change replaces tryptophan, which is neutral and slightly polar, with glycine, which is neutral and non-polar, at codon 2300 of the ATM protein (p.Trp2300Gly). This variant is not present in population databases (gnomAD no frequency). This missense change has been observed in individual(s) with ATM-related conditions (PMID: 33098801). ClinVar contains an entry for this variant (Variation ID: 572261). Invitae Evidence Modeling of protein sequence and biophysical properties (such as structural, functional, and spatial information, amino acid conservation, physicochemical variation, residue mobility, and thermodynamic stability) indicates that this missense variant is expected to disrupt ATM protein function with a positive predictive value of 95%. In summary, the available evidence is currently insufficient to determine the role of this variant in disease. Therefore, it has been classified as a Variant of Uncertain Significance.

Women's Health and Genetics/Laboratory Corporation of America, LabCorp
Classification: Uncertain significance. Last evaluated: 2025-07-14. Review status: criteria provided, single submitter. Criteria: LabCorp Variant Classification Summary - May 2015. Collection method: clinical testing. Allele origin: germline.
Comment: Variant summary: ATM c.6898T>G (p.Trp2300Gly) results in a non-conservative amino acid change in the encoded protein sequence. Algorithms developed to predict the effect of missense changes on protein structure and function all suggest that this variant is likely to be disruptive. The variant was absent in 251296 control chromosomes (gnomAD). The available data on variant occurrences in the general population are insufficient to allow any conclusion about variant significance. c.6898T>G has been observed in an individual affected with features of Ataxia-telangiectasia syndrome (Zech_2020). These data do not allow any conclusion about variant significance. To our knowledge, no experimental evidence demonstrating an impact on protein function has been reported. The following publication has been ascertained in the context of this evaluation (PMID: 33098801). ClinVar contains an entry for this variant (Variation ID: 572261). Based on the evidence outlined above, the variant was classified as uncertain significance.

Ambry Genetics
Classification: Uncertain significance for Hereditary cancer-predisposing syndrome. Last evaluated: 2021-10-07. Review status: criteria provided, single submitter. Criteria: Ambry Variant Classification Scheme 2023. Collection method: clinical testing. Allele origin: germline.
Comment: The p.W2300G variant (also known as c.6898T>G), located in coding exon 46 of the ATM gene, results from a T to G substitution at nucleotide position 6898. The tryptophan at codon 2300 is replaced by glycine, an amino acid with highly dissimilar properties. This alteration was identified in an individual with a personal and/or family history of breast and/or ovarian cancer (Lerner-Ellis J et al. J Cancer Res Clin Oncol, 2021 Mar;147:871-879). This amino acid position is highly conserved in available vertebrate species. In addition, this alteration is predicted to be deleterious by in silico analysis. Since supporting evidence is limited at this time, the clinical significance of this alteration remains unclear.

Institute of Human Genetics Munich, TUM University Hospital
Classification: Likely pathogenic for Ataxia-telangiectasia syndrome. Last evaluated: 2019-02-21. Review status: criteria provided, single submitter. Criteria: Classification criteria August 2017. Collection method: clinical testing. Allele origin: germline. Inheritance: Autosomal recessive inheritance. Affected: yes. Observed: 1 compound heterozygote.

Color Diagnostics, LLC DBA Color Health
Classification: Uncertain significance for Hereditary cancer-predisposing syndrome. Last evaluated: 2018-09-29. Review status: criteria provided, single submitter. Criteria: ACMG Guidelines, 2015. Collection method: clinical testing. Allele origin: germline.

Department of Pathology and Laboratory Medicine, Sinai Health System
Classification: Uncertain significance for Malignant tumor of breast. Review status: no assertion criteria provided. Collection method: clinical testing. Allele origin: unknown. Affected: yes. Study: The Canadian Open Genetics Repository (COGR). Not counted in ClinVar's aggregate classification.
Comment: The ATM p.Trp2300Gly variant was not identified in the literature nor was it identified in the dbSNP or LOVD 3.0 databases. The variant was only identified in ClinVar (classified as uncertain significance by Invitae). The variant was not identified in the following control databases: the Exome Aggregation Consortium (August 8th 2016), or the Genome Aggregation Database (Feb 27, 2017). The p.Trp2300 residue is conserved across mammals and other organisms, and computational analyses (PolyPhen-2, SIFT, AlignGVGD, BLOSUM, MutationTaster) suggest that the variant may impact the protein; however, this information is not predictive enough to assume pathogenicity. The variant occurs outside of the splicing consensus sequence and in silico or computational prediction software programs (SpliceSiteFinder, MaxEntScan, NNSPLICE, GeneSplicer) do not predict a difference in splicing. In summary, based on the above information the clinical significance of this variant cannot be determined with certainty at this time. This variant is classified as a variant of uncertain significance.

Literature cited by the submitters: PubMed 33098801 (cited by Labcorp Genetics (formerly Invitae), Labcorp and Women's Health and Genetics/Laboratory Corporation of America, LabCorp); PubMed 32885271 (cited by Ambry Genetics).